The following is an entry in ClinVar:

NM_001846.4(COL4A2):c.3349C>G (p.Leu1117Val)

Gene: COL4A2 (collagen type IV alpha 2 chain; plus strand). Cytogenetic location: 13q34.
Variant type: single nucleotide variant.
Coding change: c.3349C>G on transcript NM_001846.4 (MANE Select); coding-DNA position 3349, C replaced by G.
Protein change: p.Leu1117Val; replaces leucine 1117 with valine.
Molecular consequence: missense variant.
Genome position (GRCh38, 1-based): chr13:110,491,235, C>G. VCF-style: chr13-110491235-C-G. GRCh37 (hg19) VCF-style: chr13-111143582-C-G.
Other names: short protein forms L1117V.
Identifiers: ClinVar variation 4005370 (VCV004005370.2).

ClinVar aggregate classification (germline): Uncertain significance. Review status: criteria provided, multiple submitters, no conflicts (2 of 4 stars). 2 submissions from 2 submitters: Uncertain significance (2). Last evaluated 2026-01-21.

Conditions:
Inborn genetic diseases. Identifiers: MedGen C0950123, MeSH D030342.

gnomAD v4.1: 7 of 1,591,640 alleles (0.00044%); highest among the groups gnomAD compares: Admixed American, 0.012%; no homozygotes.

Submissions (2):

Labcorp Genetics (formerly Invitae), Labcorp
Classification: Uncertain significance. Last evaluated: 2026-01-21. Review status: criteria provided, single submitter. Criteria: Invitae Variant Classification Sherloc (09022015). Collection method: clinical testing. Allele origin: germline.
Comment: This sequence change replaces leucine, which is neutral and non-polar, with valine, which is neutral and non-polar, at codon 1117 of the COL4A2 protein (p.Leu1117Val). This variant is present in population databases (no rsID available, gnomAD 0.006%). This variant has not been reported in the literature in individuals affected with COL4A2-related conditions. ClinVar contains an entry for this variant (Variation ID: 4005370). An algorithm developed to predict the effect of missense changes on protein structure and function outputs the following: PolyPhen-2: "Possibly Damaging". The valine amino acid residue is found in multiple mammalian species, which suggests that this missense change does not adversely affect protein function. In summary, the available evidence is currently insufficient to determine the role of this variant in disease. Therefore, it has been classified as a Variant of Uncertain Significance.

Ambry Genetics
Classification: Uncertain significance for Inborn genetic diseases. Last evaluated: 2025-05-19. Review status: criteria provided, single submitter. Criteria: Ambry Variant Classification Scheme 2023. Collection method: clinical testing. Allele origin: germline.